The following is an entry in ClinVar:

ClinVar aggregate classification (germline): Uncertain significance. Review status: reviewed by expert panel (3 of 4 stars). 2 submissions from 2 submitters: Uncertain significance (1). 1 of the submissions does not count toward it. Last evaluated 2025-07-11.

Conditions:
Inborn genetic diseases. Identifiers: MedGen C0950123, MeSH D030342.
Hereditary thrombocytopenia and hematologic cancer predisposition syndrome. Identifiers: Orphanet 71290, MedGen CN281654, MONDO:0011071.

Submissions (2):

ClinGen Myeloid Malignancy Variant Curation Expert Panel
Classification: Uncertain significance for Hereditary thrombocytopenia and hematologic cancer predisposition syndrome. Last evaluated: 2025-07-11. Review status: reviewed by expert panel. Criteria: ClinGen MyeloMalig ACMG Specifications v2. Collection method: curation. Allele origin: germline. Inheritance: Autosomal dominant inheritance.
Comment: NM_001754.5(RUNX1):c.833C>G (p.Pro278Arg) is a missense variant which is completely absent from all population databases with at least 20x coverage for RUNX1 (PM2_Supporting). In summary, the clinical significance of this variant is uncertain. ACMG/AMP criteria applied, as specified by the Myeloid Malignancy Variant Curation Expert Panel for RUNX1: PM2_supporting.

Ambry Genetics
Classification: Uncertain significance for Inborn genetic diseases. Last evaluated: 2025-02-08. Review status: criteria provided, single submitter. Criteria: Ambry Variant Classification Scheme 2023. Collection method: clinical testing. Allele origin: germline. Not counted in ClinVar's aggregate classification.
Comment: The p.P278R variant (also known as c.833C>G), located in coding exon 7 of the RUNX1 gene, results from a C to G substitution at nucleotide position 833. The proline at codon 278 is replaced by arginine, an amino acid with dissimilar properties. This amino acid position is conserved. In addition, the in silico prediction for this alteration is inconclusive. Based on the available evidence, the clinical significance of this variant remains unclear.

NM_001754.5(RUNX1):c.833C>G (p.Pro278Arg)

Gene: RUNX1 (RUNX family transcription factor 1; minus strand). Cytogenetic location: 21q22.12.
Variant type: single nucleotide variant.
Coding change: c.833C>G on transcript NM_001754.5 (MANE Select); coding-DNA position 833, C replaced by G.
Protein change: p.Pro278Arg; replaces proline 278 with arginine.
Molecular consequence: missense variant.
Genome position (GRCh38, 1-based): chr21:34,799,435, G>C on the plus strand (C>G on the coding strand, the complement: RUNX1 is on the minus strand). VCF-style: chr21-34799435-G-C. GRCh37 (hg19) VCF-style: chr21-36171732-G-C.
Other names: NM_001754.5(RUNX1):c.833C>G; p.Pro278Arg; c.752C>G, p.Pro251Arg (NM_001001890.3); short protein forms P251R, P278R.
Identifiers: ClinVar variation 3791502 (VCV003791502.1).